The following is an entry in ClinVar:

NM_001374385.1(ATP8B1):c.2085A>G (p.Glu695=)

Gene: ATP8B1 (ATPase phospholipid transporting 8B1; minus strand). Cytogenetic location: 18q21.31.
Variant type: single nucleotide variant.
Coding change: c.2085A>G on transcript NM_001374385.1 (MANE Select); coding-DNA position 2085, A replaced by G.
Protein change: p.Glu695=; no amino-acid change (glutamic acid 695 retained).
Molecular consequence: synonymous variant.
Genome position (GRCh38, 1-based): chr18:57,669,330, T>C on the plus strand (A>G on the coding strand, the complement: ATP8B1 is on the minus strand). VCF-style: chr18-57669330-T-C. GRCh37 (hg19) VCF-style: chr18-55336562-T-C.
Other names: c.1935A>G, p.Glu645= (NM_001374386.1); c.2085A>G, p.Glu695= (NM_005603.6).
Identifiers: ClinVar variation 4995143 (VCV004995143.1).

ClinVar aggregate classification (germline): Likely benign (1 of 4 stars; one submission).

Conditions:
ATP8B1-related disorder. Also called: ATP8B1-related condition; ATP8B1-related disorders.

Submission:

PreventionGenetics, part of Exact Sciences
Classification: Likely benign for ATP8B1-related condition. Last evaluated: 2026-04-14. Review status: criteria provided, single submitter. Criteria: ACMG Guidelines, 2015. Collection method: clinical testing. Allele origin: germline.
Comment: This variant is classified as likely benign based on ACMG/AMP sequence variant interpretation guidelines (Richards et al. 2015 PMID: 25741868, with internal and published modifications).